The following is an entry in ClinVar:

NM_001206927.2(DNAH8):c.3511A>T (p.Lys1171Ter)

Gene: DNAH8 (dynein axonemal heavy chain 8; plus strand). Cytogenetic location: 6p21.2.
Variant type: single nucleotide variant.
Coding change: c.3511A>T on transcript NM_001206927.2 (MANE Select); coding-DNA position 3511, A replaced by T.
Protein change: p.Lys1171Ter; replaces lysine 1171 with a stop codon.
Molecular consequence: nonsense.
Genome position (GRCh38, 1-based): chr6:38,815,645, A>T. VCF-style: chr6-38815645-A-T. GRCh37 (hg19) VCF-style: chr6-38783421-A-T.
Other names: c.2860A>T, p.Lys954Ter (NM_001371.4); short protein forms K954*, K1171*.
Identifiers: ClinVar variation 953879 (VCV000953879.8), dbSNP rs1772190647, ClinGen allele CA363990316.

ClinVar aggregate classification (germline): Pathogenic (1 of 4 stars; one submission).

Conditions:
Primary ciliary dyskinesia. Also called: Ciliary dyskinesia. Identifiers: Orphanet 244, MedGen C0008780, MONDO:0016575, HP:0012265.

Allele frequency attached by ClinVar (database versions not stated): TOPMed 0.00001.
gnomAD v4.1: 5 of 1,612,188 alleles (0.00031%); highest among the groups gnomAD compares: Non-Finnish European, 0.00042%; no homozygotes.

Submission:

Labcorp Genetics (formerly Invitae), Labcorp
Classification: Pathogenic for Primary ciliary dyskinesia. Last evaluated: 2024-04-15. Review status: criteria provided, single submitter. Criteria: Invitae Variant Classification Sherloc (09022015). Collection method: clinical testing. Allele origin: germline.
Comment: This sequence change creates a premature translational stop signal (p.Lys1171*) in the DNAH8 gene. It is expected to result in an absent or disrupted protein product. Loss-of-function variants in DNAH8 are known to be pathogenic (PMID: 24307375, 32619401, 32681648). This variant is not present in population databases (gnomAD no frequency). This variant has not been reported in the literature in individuals affected with DNAH8-related conditions. ClinVar contains an entry for this variant (Variation ID: 953879). For these reasons, this variant has been classified as Pathogenic.

Literature cited by the submitters: PubMed 24307375; PubMed 32619401; PubMed 32681648.